The following is an entry in ClinVar:

NM_001374828.1(ARID1B):c.1170CGG[4] (p.Gly399_Gly402del)

Gene: ARID1B (AT-rich interaction domain 1B; plus strand). Cytogenetic location: 6q25.3.
Variant type: Microsatellite.
Coding change: c.1170CGG[4] on transcript NM_001374828.1 (MANE Select); four copies in a row of the 3-base unit CGG starting at c.1170; the reference has eight copies in a row; four copies, 12 bases deleted.
Protein change: p.Gly399_Gly402del.
Molecular consequence: inframe deletion.
Genome position (GRCh38, 1-based): chr6:156,778,862-156,778,873, CGGCGGCGGCGG deleted; deleting any 12 consecutive bases within chr6:156,778,848-156,778,873 gives the same sequence; the position shown is the placement nearest the transcript's 3' end. VCF-style (leftmost placement, unchanged base first): chr6-156778847-GGGCGGCGGCGGC-G. GRCh37 (hg19) VCF-style: chr6-157099981-GGGCGGCGGCGGC-G.
Other names: c.933_944del12 (NM_020732.3); c.1170CGG[4], p.Gly399_Gly402del (NM_001374820.1, NM_017519.3, NM_001371656.1).
Identifiers: ClinVar variation 445786 (VCV000445786.50), dbSNP rs587779747, ClinGen allele CA4066709.

ClinVar aggregate classification (germline): Conflicting classifications of pathogenicity. Review status: criteria provided, conflicting classifications (1 of 4 stars). 6 submissions from 6 submitters: Uncertain significance (1); Likely benign (4). 1 of the submissions does not count toward it. Last evaluated 2026-06-01.

Conditions:
Inborn genetic diseases. Identifiers: MedGen C0950123, MeSH D030342.
ARID1B-Related Disorder. Identifiers: MedGen CN381337.

Submissions (6):

CeGaT Center for Human Genetics Tuebingen
Classification: Likely benign. Last evaluated: 2026-06-01. Review status: criteria provided, single submitter. Criteria: CeGaT Center For Human Genetics Tuebingen Variant Classification Criteria Version 2. Collection method: clinical testing. Allele origin: germline. Affected: yes. Observed: 3 variant alleles.
Comment: ARID1B: BP3, BS2

Labcorp Genetics (formerly Invitae), Labcorp
Classification: Likely benign. Last evaluated: 2025-10-09. Review status: criteria provided, single submitter. Criteria: Invitae Variant Classification Sherloc (09022015). Collection method: clinical testing. Allele origin: germline.

Blueprint Genetics
Classification: Likely benign. Last evaluated: 2024-04-17. Review status: criteria provided, single submitter. Criteria: ACMG Guidelines, 2015. Collection method: clinical testing. Allele origin: germline.

Ambry Genetics
Classification: Likely benign for Inborn genetic diseases. Last evaluated: 2017-09-21. Review status: criteria provided, single submitter. Criteria: Ambry Variant Classification Scheme 2023. Collection method: clinical testing. Allele origin: germline.

Center for Pediatric Genomic Medicine, Children's Mercy Hospital and Clinics
Classification: Uncertain significance. Last evaluated: 2017-06-22. Review status: criteria provided, single submitter. Criteria: ACMG Guidelines, 2015. Collection method: clinical testing. Allele origin: germline.

PreventionGenetics, part of Exact Sciences
Classification: Likely benign for ARID1B-related condition. Last evaluated: 2021-03-02. Review status: no assertion criteria provided. Collection method: clinical testing. Allele origin: germline. Not counted in ClinVar's aggregate classification.
Comment: This variant is classified as likely benign based on ACMG/AMP sequence variant interpretation guidelines (Richards et al. 2015 PMID: 25741868, with internal and published modifications).